The following is an entry in ClinVar:

ClinVar aggregate classification (germline): Benign. Review status: criteria provided, multiple submitters, no conflicts (2 of 4 stars). 3 submissions from 3 submitters: Benign (2). 1 of the submissions does not count toward it. Last evaluated 2018-06-14.

Conditions:
GRACILE syndrome (FLNMS). Also called: FELLMAN SYNDROME; FINNISH LETHAL NEONATAL METABOLIC SYNDROME. Identifiers: Orphanet 53693, MedGen C1864002, MONDO:0011308, OMIM 603358.

Allele frequency attached by ClinVar (database versions not stated): gnomAD exomes 0.02134; gnomAD 0.05601 and 0.05619; TOPMed 0.05848; 1000 Genomes Project 30x 0.07511; 1000 Genomes Project 0.07648.

Submissions (3):

GeneDx
Classification: Benign. Last evaluated: 2018-06-14. Review status: criteria provided, single submitter. Criteria: GeneDx Variant Classification (06012015). Collection method: clinical testing. Allele origin: germline. Affected: yes.
Comment: This variant is considered likely benign or benign based on one or more of the following criteria: it is a conservative change, it occurs at a poorly conserved position in the protein, it is predicted to be benign by multiple in silico algorithms, and/or has population frequency not consistent with disease.

Breakthrough Genomics
Classification: Benign. Review status: criteria provided, single submitter. Criteria: ACMG Guidelines, 2015. Collection method: not provided. Allele origin: germline. Inheritance: Autosomal recessive inheritance. Affected: yes.

Natera, Inc.
Classification: Benign for GRACILE syndrome. Last evaluated: 2020-09-16. Review status: no assertion criteria provided. Collection method: clinical testing. Allele origin: germline. Not counted in ClinVar's aggregate classification.

NM_001079866.2(BCS1L):c.-50+541G>A

Gene: BCS1L (BCS1 ubiquinol-cytochrome c reductase complex chaperone; plus strand). Cytogenetic location: 2q35.
Variant type: single nucleotide variant.
Coding change: c.-50+541G>A on transcript NM_001079866.2 (MANE Select); 541 bases into the intron after 50 bases upstream of the start codon, G replaced by A.
Molecular consequence: intron variant. On other transcripts: 5 prime UTR variant (8), non-coding transcript variant (1).
Genome position (GRCh38, 1-based): chr2:218,660,284, G>A. VCF-style: chr2-218660284-G-A. GRCh37 (hg19) VCF-style: chr2-219525007-G-A.
Other names: c.-187G>A (NM_001371444.1, NM_001371450.1); c.-514G>A (NM_001371446.1); c.-505G>A (NM_001371451.1); c.-1180G>A (NM_001371453.1, NM_001374086.1); c.-663G>A (NM_001371454.1); c.-704G>A (NM_001374085.1); c.-164-23G>A (NM_001371448.1, NM_001320717.2, NM_001371449.1 and 1 more transcripts); c.-50+484G>A (NM_001257344.2); and 8 more.
Identifiers: ClinVar variation 673726 (VCV000673726.3), dbSNP rs3806556, ClinGen allele CA11045507.
Genomic context (GRCh38, chr2:218,660,284, plus strand): 5'-GTTAGGAGCTAATCCATGAAAGGTAGGTGGGCGCCGTATTGTAGAGAGCCTTGAGTACCA[G>A]GCTGAGTTTATACCCAATTCAGGGGTCTGCTGGGAGCCAGCCATTGAAGGTGCTGGAGCA-3'